The following is an entry in ClinVar:

NM_018263.6(ASXL2):c.2109G>T (p.Glu703Asp)

Gene: ASXL2 (ASXL transcriptional regulator 2; minus strand). Cytogenetic location: 2p23.3.
Variant type: single nucleotide variant.
Coding change: c.2109G>T on transcript NM_018263.6 (MANE Select); coding-DNA position 2109, G replaced by T.
Protein change: p.Glu703Asp; replaces glutamic acid 703 with aspartic acid.
Molecular consequence: missense variant.
Genome position (GRCh38, 1-based): chr2:25,744,228, C>A on the plus strand (G>T on the coding strand, the complement: ASXL2 is on the minus strand). VCF-style: chr2-25744228-C-A. GRCh37 (hg19) VCF-style: chr2-25967097-C-A.
Other names: c.1935G>T, p.Glu645Asp (NM_001369346.1); c.1329G>T, p.Glu443Asp (NM_001369347.1); short protein forms E645D, E443D, E703D.
Identifiers: ClinVar variation 5009427 (VCV005009427.1).

ClinVar aggregate classification (germline): Uncertain significance (1 of 4 stars; one submission).

Submission:

GeneDx
Classification: Uncertain significance. Last evaluated: 2026-03-19. Review status: criteria provided, single submitter. Criteria: GeneDx Variant Classification Process June 2021. Collection method: clinical testing. Allele origin: germline.
Comment: Not observed at significant frequency in large population cohorts (gnomAD); In silico analysis suggests that this missense variant does not alter protein structure/function; Has not been previously published as pathogenic or benign to our knowledge